The following is an entry in ClinVar:

NM_001374828.1(ARID1B):c.765C>G (p.Asp255Glu)

Genes: ARID1B (AT-rich interaction domain 1B; plus strand), LOC115308161 (uncharacterized LOC115308161; minus strand), LOC129997525 (ATAC-STARR-seq lymphoblastoid silent region 17712; plus strand). Cytogenetic location: 6q25.3.
Variant type: single nucleotide variant.
Coding change: c.765C>G on transcript NM_001374828.1 (MANE Select); coding-DNA position 765, C replaced by G.
Protein change: p.Asp255Glu; replaces aspartic acid 255 with glutamic acid.
Molecular consequence: missense variant. On other transcripts: non-coding transcript variant (1).
Genome position (GRCh38, 1-based): chr6:156,778,445, C>G. VCF-style: chr6-156778445-C-G. GRCh37 (hg19) VCF-style: chr6-157099579-C-G.
Other names: c.516C>G, p.Asp172Glu (NM_001346813.1, NM_020732.3); c.765C>G, p.Asp255Glu (NM_001371656.1, NM_001374820.1, NM_017519.3); c.342C>G, p.Asp114Glu (NM_175863.2); short protein forms D114E, D172E, D255E.
Identifiers: ClinVar variation 2439182 (VCV002439182.5), dbSNP rs1171803835, ClinGen allele CA366382059.

ClinVar aggregate classification (germline): Uncertain significance. Review status: criteria provided, multiple submitters, no conflicts (2 of 4 stars). 2 submissions from 2 submitters: Uncertain significance (2). Last evaluated 2023-08-10.

Conditions:
Coffin-Siris syndrome 1 (CSS1). Also called: ARID1B-Related Coffin-Siris Syndrome; Mental retardation, autosomal dominant 12. Identifiers: Orphanet 1465, MedGen C3281201, MONDO:0007617, OMIM 135900. Disease mechanism: gain of function.

Allele frequency attached by ClinVar (database versions not stated): TOPMed 0.00001.
gnomAD v4.1: 10 of 1,407,612 alleles (0.00071%); highest among the groups gnomAD compares: South Asian, 0.0016%; no homozygotes.

Submissions (2):

Labcorp Genetics (formerly Invitae), Labcorp
Classification: Uncertain significance. Last evaluated: 2023-08-10. Review status: criteria provided, single submitter. Criteria: Invitae Variant Classification Sherloc (09022015). Collection method: clinical testing. Allele origin: germline.
Comment: Algorithms developed to predict the effect of missense changes on protein structure and function output the following: SIFT: "Not Available"; PolyPhen-2: "Not Available"; Align-GVGD: "Not Available". The glutamic acid amino acid residue is found in multiple mammalian species, which suggests that this missense change does not adversely affect protein function. ClinVar contains an entry for this variant (Variation ID: 2439182). This variant has not been reported in the literature in individuals affected with ARID1B-related conditions. This variant is present in population databases (no rsID available, gnomAD 0.01%). This sequence change replaces aspartic acid, which is acidic and polar, with glutamic acid, which is acidic and polar, at codon 172 of the ARID1B protein (p.Asp172Glu). In summary, the available evidence is currently insufficient to determine the role of this variant in disease. Therefore, it has been classified as a Variant of Uncertain Significance.

Revvity Omics, Revvity
Classification: Uncertain significance for Coffin-Siris syndrome 1. Last evaluated: 2021-02-17. Review status: criteria provided, single submitter. Criteria: ACMG Guidelines, 2015. Collection method: clinical testing. Allele origin: germline.